The following is an entry in ClinVar:

NM_000051.4(ATM):c.6007-19G>A

Genes: ATM (ATM serine/threonine kinase; plus strand), C11orf65 (chromosome 11 open reading frame 65; minus strand). Cytogenetic location: 11q22.3.
Variant type: single nucleotide variant.
Coding change: c.6007-19G>A on transcript NM_000051.4 (MANE Select); 19 bases into the intron before coding-DNA position 6007, G replaced by A.
Molecular consequence: intron variant.
Genome position (GRCh38, 1-based): chr11:108,315,804, G>A. VCF-style: chr11-108315804-G-A. GRCh37 (hg19) VCF-style: chr11-108186531-G-A.
Other names: c.6007-19G>A (NM_001351834.2); c.641-6733C>T (NM_001330368.2); c.*39-6733C>T (NM_001351110.2).
Identifiers: ClinVar variation 513395 (VCV000513395.6), dbSNP rs1304200112, ClinGen allele CA658797726.

ClinVar aggregate classification (germline): Likely benign. Review status: criteria provided, multiple submitters, no conflicts (2 of 4 stars). 3 submissions from 3 submitters: Likely benign (3). Last evaluated 2025-08-30.

Conditions:
Familial cancer of breast. Also called: BREAST CANCER, FAMILIAL; Hereditary breast cancer; hereditary breast carcinoma. Identifiers: Orphanet 227535, MedGen C0346153, MONDO:0016419, OMIM 114480. Disease mechanism: loss of function.
Ataxia-telangiectasia syndrome (AT). Also called: Cerebello-oculocutaneous telangiectasia; Immunodeficiency with ataxia telangiectasia; Ataxia-telangiectasia, complementation group E; Ataxia-telangiectasia, complementation group D; AT, COMPLEMENTATION GROUP C; ATAXIA-TELANGIECTASIA, COMPLEMENTATION GROUP A. Identifiers: Orphanet 100, MedGen C0004135, MONDO:0008840, OMIM 208900.

Submissions (3):

Labcorp Genetics (formerly Invitae), Labcorp
Classification: Likely benign for Ataxia-telangiectasia syndrome. Last evaluated: 2025-08-30. Review status: criteria provided, single submitter. Criteria: Invitae Variant Classification Sherloc (09022015). Collection method: clinical testing. Allele origin: germline.

Myriad Genetics, Inc.
Classification: Likely benign for Familial cancer of breast. Last evaluated: 2024-05-28. Review status: criteria provided, single submitter. Criteria: Myriad Autosomal Dominant, Autosomal Recessive and X-Linked Classification Criteria (2023). Collection method: clinical testing. Allele origin: unknown.
Comment: This variant is considered likely benign. This variant is intronic and is not expected to impact mRNA splicing.

GeneDx
Classification: Likely benign. Last evaluated: 2017-11-10. Review status: criteria provided, single submitter. Criteria: GeneDx Variant Classification (06012015). Collection method: clinical testing. Allele origin: germline. Affected: yes.
Comment: This variant is considered likely benign or benign based on one or more of the following criteria: it is a conservative change, it occurs at a poorly conserved position in the protein, it is predicted to be benign by multiple in silico algorithms, and/or has population frequency not consistent with disease.